The following is an entry in ClinVar:

NM_001363711.2(DUOX2):c.2791dup (p.His931fs)

Gene: DUOX2 (dual oxidase 2; minus strand). Cytogenetic location: 15q21.1.
Variant type: Duplication.
Coding change: c.2791dup on transcript NM_001363711.2 (MANE Select); coding-DNA position 2791, one base duplicated (C; older notation c.2791dupC).
Protein change: p.His931fs; shifts the reading frame from histidine 931.
Molecular consequence: frameshift variant.
Genome position (GRCh38, 1-based): chr15:45,101,853, G duplicated on the plus strand (C on the coding strand, the reverse complement: DUOX2 is on the minus strand); the first of 2 consecutive G bases (chr15:45,101,853-45,101,854); duplicating either gives the same sequence. VCF-style (leftmost placement, unchanged base first): chr15-45101852-T-TG. GRCh37 (hg19) VCF-style: chr15-45394050-T-TG.
Other names: c.2791dup, p.His931fs (NM_014080.5); short protein forms H931fs.
Identifiers: ClinVar variation 2802175 (VCV002802175.3), dbSNP rs1894090980, ClinGen allele CA2173938213.
Genomic context (GRCh38, chr15:45,101,852, plus strand): 5'-CCATTTCCACCTCCACCTCCACCTTTGACACAGAGCTGCGTGAAGCGGAGCTCGCTGTCA[T>TG]GGTCCCGCAGCATGAAGTGAAAATCCTCCCATGTCAGCTCCTCCTTGTCCTGGAATCCCG-3'

ClinVar aggregate classification (germline): Pathogenic (1 of 4 stars; one submission).

Submission:

Labcorp Genetics (formerly Invitae), Labcorp
Classification: Pathogenic. Last evaluated: 2023-03-03. Review status: criteria provided, single submitter. Criteria: Invitae Variant Classification Sherloc (09022015). Collection method: clinical testing. Allele origin: germline.
Comment: This sequence change creates a premature translational stop signal (p.His931Profs*2) in the DUOX2 gene. It is expected to result in an absent or disrupted protein product. Loss-of-function variants in DUOX2 are known to be pathogenic (PMID: 12110737, 18765513, 21565790, 24423310, 24735383). This variant is not present in population databases (gnomAD no frequency). This variant has not been reported in the literature in individuals affected with DUOX2-related conditions. For these reasons, this variant has been classified as Pathogenic.

Literature cited by the submitters: PubMed 12110737; PubMed 18765513; PubMed 21565790; PubMed 24423310; PubMed 24735383.